The following is an entry in ClinVar:

NM_138477.4(CDAN1):c.3193C>T (p.Arg1065Trp)

Gene: CDAN1 (codanin 1; minus strand). Cytogenetic location: 15q15.2.
Variant type: single nucleotide variant.
Coding change: c.3193C>T on transcript NM_138477.4 (MANE Select); coding-DNA position 3193, C replaced by T.
Protein change: p.Arg1065Trp; replaces arginine 1065 with tryptophan.
Molecular consequence: missense variant.
Genome position (GRCh38, 1-based): chr15:42,726,321, G>A on the plus strand (C>T on the coding strand, the complement: CDAN1 is on the minus strand). VCF-style: chr15-42726321-G-A. GRCh37 (hg19) VCF-style: chr15-43018519-G-A.
Other names: p.Arg1065Trp; short protein forms R1065W.
Identifiers: ClinVar variation 3380262 (VCV003380262.3).
Genomic context (GRCh38, chr15:42,726,321, plus strand): 5'-ACACAAGGACACAGAAAAAAGCCCCCCGGTGGCAGATGCCACAGCTCACCTGGCGGCACC[G>A]CAGCGTCTGGCCCAGCTGGCCTAGGAGCTGTTCCAGATGCTCTGGGGAGACTCCCTCGTC-3'
Protein context (NP_612486.2, residues 1055-1075): QLLGQLGQTL[Arg1065Trp]CRQFLCPPAE

ClinVar aggregate classification (germline): Uncertain significance. Review status: criteria provided, multiple submitters, no conflicts (2 of 4 stars). 2 submissions from 2 submitters: Uncertain significance (2). Last evaluated 2024-12-11.

Conditions:
Anemia, congenital dyserythropoietic, type 1a (CDAN1A). Also called: DYSERYTHROPOIETIC ANEMIA, CONGENITAL, TYPE Ia; CDAN1-Related Congenital Dyserythropoietic Anemia. Identifiers: MedGen C5574667, MONDO:0009135, OMIM 224120.

gnomAD v4.1: 14 of 1,588,040 alleles (0.00088%); highest among the groups gnomAD compares: South Asian, 0.0023%; no homozygotes.

Submissions (2):

Revvity Omics, Revvity
Classification: Uncertain significance for Anemia, congenital dyserythropoietic, type 1a. Last evaluated: 2024-12-11. Review status: criteria provided, single submitter. Criteria: ACMG Guidelines, 2015. Collection method: clinical testing. Allele origin: germline.

Mayo Clinic Laboratories, Mayo Clinic
Classification: Uncertain significance. Last evaluated: 2024-10-15. Review status: criteria provided, single submitter. Criteria: ACMG Guidelines, 2015. Collection method: clinical testing. Allele origin: germline. Observed: 2 variant alleles.
Comment: PM2_moderate, PM3_supporting

Literature cited by the submitters: PubMed 29031773 (cited by Mayo Clinic Laboratories, Mayo Clinic).